The following is an entry in ClinVar:

NM_173598.6(KSR2):c.1064A>C (p.Gln355Pro)

Gene: KSR2 (kinase suppressor of ras 2; minus strand). Cytogenetic location: 12q24.22.
Variant type: single nucleotide variant.
Coding change: c.1064A>C on transcript NM_173598.6 (MANE Select); coding-DNA position 1064, A replaced by C.
Protein change: p.Gln355Pro; replaces glutamine 355 with proline.
Molecular consequence: missense variant.
Genome position (GRCh38, 1-based): chr12:117,667,581, T>G on the plus strand (A>C on the coding strand, the complement: KSR2 is on the minus strand). VCF-style: chr12-117667581-T-G. GRCh37 (hg19) VCF-style: chr12-118105386-T-G.
Other names: short protein forms Q355P.
Identifiers: ClinVar variation 3348329 (VCV003348329.1).
Genomic context (GRCh38, chr12:117,667,581, plus strand): 5'-AAAGGTGCGTGTCCCACAAAGAAGGAGCGGAGGGAGCGCTCGGACAGCAGCGGGGAGCGC[T>G]GCTGAGAGGGGATGTTCTCGCAGCTGCCTACGCTGCTGTGGATCTTGAGGTTCAAGGGTT-3'
Protein context (NP_775869.4, residues 345-365): VGSCENIPSQ[Gln355Pro]RSPLLSERSL

ClinVar aggregate classification (germline): Uncertain significance (0 of 4 stars; one submission).

Conditions:
KSR2-related disorder. Also called: KSR2-related condition.

Submission:

PreventionGenetics, part of Exact Sciences
Classification: Uncertain significance for KSR2-related condition. Last evaluated: 2024-03-06. Review status: no assertion criteria provided. Collection method: clinical testing. Allele origin: germline.
Comment: The KSR2 c.977A>C variant is predicted to result in the amino acid substitution p.Gln326Pro. To our knowledge, this variant has not been reported in the literature or in a large population database, indicating this variant is rare. At this time, the clinical significance of this variant is uncertain due to the absence of conclusive functional and genetic evidence.